The following is an entry in ClinVar:

NM_017849.4(TMEM127):c.266C>G (p.Thr89Arg)

Gene: TMEM127 (transmembrane protein 127; minus strand). Cytogenetic location: 2q11.2.
Variant type: single nucleotide variant.
Coding change: c.266C>G on transcript NM_017849.4 (MANE Select); coding-DNA position 266, C replaced by G.
Protein change: p.Thr89Arg; replaces threonine 89 with arginine.
Molecular consequence: missense variant.
Genome position (GRCh38, 1-based): chr2:96,254,976, G>C on the plus strand (C>G on the coding strand, the complement: TMEM127 is on the minus strand). VCF-style: chr2-96254976-G-C. GRCh37 (hg19) VCF-style: chr2-96920714-G-C.
Other names: c.266C>G, p.Thr89Arg (NM_001193304.3); short protein forms T89R.
Identifiers: ClinVar variation 230173 (VCV000230173.5), dbSNP rs876658430, ClinGen allele CA10578178.

ClinVar aggregate classification (germline): Uncertain significance (1 of 4 stars; one submission).

Conditions:
Hereditary cancer-predisposing syndrome. Also called: Hereditary neoplastic syndrome; Hereditary Cancer Syndrome; Neoplastic Syndromes, Hereditary; Tumor predisposition. Identifiers: Orphanet 140162, MedGen C0027672, MeSH D009386, MONDO:0015356.

gnomAD v4.1: 1 of 1,614,236 alleles (0.000062%); highest among the groups gnomAD compares: Non-Finnish European, 0.000085%; no homozygotes.

Submission:

Ambry Genetics
Classification: Uncertain significance for Hereditary cancer-predisposing syndrome. Last evaluated: 2015-01-20. Review status: criteria provided, single submitter. Criteria: Ambry Variant Classification Scheme 2023. Collection method: clinical testing. Allele origin: germline.
Comment: The p.T89R variant (also known as c.266C>G), located in coding exon 2 of the TMEM127 gene, results from a C to G substitution at nucleotide position 266. The threonine at codon 89 is replaced by arginine, an amino acid with similar properties. This variant was not reported in population based cohorts in the following databases: Database of Single Nucleotide Polymorphisms (dbSNP), NHLBI Exome Sequencing Project (ESP), and 1000 Genomes Project. In the ESP, this variant was not observed in 6503 samples (13006 alleles) with coverage at this position. To date, this alteration has been detected with an allele frequency of approximately 0.05% (greater than 2000 alleles tested) in our clinical cohort. This amino acid position is well conserved in available vertebrate species. In addition, the in silico prediction for this alteration is inconclusive. Since supporting evidence is limited at this time, the clinical significance of p.T89R remains unclear.